The following is an entry in ClinVar:

NM_001844.5(COL2A1):c.4025del (p.Lys1342fs)

Gene: COL2A1 (collagen type II alpha 1 chain; minus strand). Cytogenetic location: 12q13.11.
Variant type: Deletion.
Coding change: c.4025del on transcript NM_001844.5 (MANE Select); coding-DNA position 4025, one base deleted (A; older notation c.4025delA).
Protein change: p.Lys1342fs; shifts the reading frame from lysine 1342.
Molecular consequence: frameshift variant.
Genome position (GRCh38, 1-based): chr12:47,974,724, T deleted on the plus strand (A on the coding strand, the reverse complement: COL2A1 is on the minus strand); the first of 2 consecutive T bases (chr12:47,974,724-47,974,725); deleting either gives the same sequence. VCF-style (leftmost placement, unchanged base first): chr12-47974723-CT-C. GRCh37 (hg19) VCF-style: chr12-48368506-CT-C.
Other names: c.3818del, p.Lys1273fs (NM_033150.3); short protein forms K1342fs, K1273fs.
Identifiers: ClinVar variation 1378476 (VCV001378476.6), dbSNP rs2136508191, ClinGen allele CA2573148585.

ClinVar aggregate classification (germline): Pathogenic (1 of 4 stars; one submission).

Submission:

Labcorp Genetics (formerly Invitae), Labcorp
Classification: Pathogenic. Last evaluated: 2021-02-08. Review status: criteria provided, single submitter. Criteria: Invitae Variant Classification Sherloc (09022015). Collection method: clinical testing. Allele origin: germline.
Comment: This sequence change creates a premature translational stop signal (p.Lys1342Argfs*34) in the COL2A1 gene. It is expected to result in an absent or disrupted protein product. Loss-of-function variants in COL2A1 are known to be pathogenic (PMID: 20179744). This variant is not present in population databases (ExAC no frequency). This variant has not been reported in the literature in individuals with COL2A1-related conditions. For these reasons, this variant has been classified as Pathogenic.

Literature cited by the submitters: PubMed 20179744.